The following is an entry in ClinVar:

ClinVar aggregate classification (germline): Likely benign (1 of 4 stars; one submission).

Submission:

CeGaT Center for Human Genetics Tuebingen
Classification: Likely benign. Last evaluated: 2024-03-01. Review status: criteria provided, single submitter. Criteria: CeGaT Center For Human Genetics Tuebingen Variant Classification Criteria Version 2. Collection method: clinical testing. Allele origin: germline. Affected: yes. Observed: 1 variant allele.
Comment: IGF1: PM2:Supporting, BP4, BP7

NM_000618.5(IGF1):c.315G>T (p.Leu105=)

Genes: IGF1 (insulin like growth factor 1; minus strand), LINC02456 (long independently transcribed non-coding RNA 2456; plus strand). Cytogenetic location: 12q23.2.
Variant type: single nucleotide variant.
Coding change: c.315G>T on transcript NM_000618.5 (MANE Select); coding-DNA position 315, G replaced by T.
Protein change: p.Leu105=; no amino-acid change (leucine 105 retained).
Molecular consequence: synonymous variant.
Genome position (GRCh38, 1-based): chr12:102,419,596, C>A on the plus strand (G>T on the coding strand, the complement: IGF1 is on the minus strand). VCF-style: chr12-102419596-C-A. GRCh37 (hg19) VCF-style: chr12-102813374-C-A.
Other names: c.315G>T, p.Leu105= (NM_001111283.3, NM_001111285.3, NM_001414005.1 and 1 more transcripts); c.267G>T, p.Leu89= (NM_001111284.2, NM_001414006.1).
Identifiers: ClinVar variation 3234493 (VCV003234493.20), dbSNP rs200414343, ClinGen allele CA481359967.
Genomic context (GRCh38, chr12:102,419,596, plus strand): 5'-GCGCTGGGCACGGACAGAGCGAGCTGACTTGGCAGGCTTGAGGGGTGCGCAATACATCTC[C>A]AGCCTCCTTAGATCACAGCTCCGGAAGCAGCACTCATCCACGATGCCTGTCTGAGGCGCC-3'
Protein context (NP_000609.1, residues 95-115): CCFRSCDLRR[Leu105=]EMYCAPLKPA